The following is an entry in ClinVar:

ClinVar aggregate classification (germline): Uncertain significance (1 of 4 stars; one submission).

Conditions:
Combined immunodeficiency due to CTPS1 deficiency. Also called: Immunodeficiency 24; Severe combined immunodeficiency due to CTPS1 deficiency. Identifiers: Orphanet 420573, MedGen C4014617, MONDO:0014391, OMIM 615897.

gnomAD v4.1: 2 of 1,572,068 alleles (0.00013%); highest among the groups gnomAD compares: Non-Finnish European, 0.00017%; no homozygotes.

Submission:

Labcorp Genetics (formerly Invitae), Labcorp
Classification: Uncertain significance for Combined immunodeficiency due to CTPS1 deficiency. Last evaluated: 2024-08-06. Review status: criteria provided, single submitter. Criteria: Invitae Variant Classification Sherloc (09022015). Collection method: clinical testing. Allele origin: germline.
Comment: This sequence change falls in intron 6 of the CTPS1 gene. It does not directly change the encoded amino acid sequence of the CTPS1 protein. It affects a nucleotide within the consensus splice site. This variant is not present in population databases (gnomAD no frequency). This variant has not been reported in the literature in individuals affected with CTPS1-related conditions. Variants that disrupt the consensus splice site are a relatively common cause of aberrant splicing (PMID: 17576681, 9536098). Algorithms developed to predict the effect of sequence changes on RNA splicing suggest that this variant may disrupt the consensus splice site. In summary, the available evidence is currently insufficient to determine the role of this variant in disease. Therefore, it has been classified as a Variant of Uncertain Significance.

Literature cited by the submitters: PubMed 17576681; PubMed 9536098.

NM_001905.4(CTPS1):c.639+5G>C

Gene: CTPS1 (CTP synthase 1; plus strand). Cytogenetic location: 1p34.2.
Variant type: single nucleotide variant.
Coding change: c.639+5G>C on transcript NM_001905.4 (MANE Select); 5 bases into the intron after coding-DNA position 639, G replaced by C.
Molecular consequence: intron variant.
Genome position (GRCh38, 1-based): chr1:40,991,253, G>C. VCF-style: chr1-40991253-G-C. GRCh37 (hg19) VCF-style: chr1-41456925-G-C.
Other names: c.171+5G>C (NM_001301237.2).
Identifiers: ClinVar variation 3683895 (VCV003683895.2).